The following is an entry in ClinVar:

NM_001845.6(COL4A1):c.4928+2T>C

Gene: COL4A1 (collagen type IV alpha 1 chain; minus strand). Cytogenetic location: 13q34.
Variant type: single nucleotide variant.
Coding change: c.4928+2T>C on transcript NM_001845.6 (MANE Select); the canonical splice donor site of the intron after coding-DNA position 4928, T replaced by C.
Molecular consequence: splice donor variant.
Genome position (GRCh38, 1-based): chr13:110,152,332, A>G on the plus strand (T>C on the coding strand, the complement: COL4A1 is on the minus strand). VCF-style: chr13-110152332-A-G. GRCh37 (hg19) VCF-style: chr13-110804679-A-G.
Identifiers: ClinVar variation 1411332 (VCV001411332.6), dbSNP rs2138417443, ClinGen allele CA388654001.
Genomic context (GRCh38, chr13:110,152,332, plus strand): 5'-TGATTAAAAAATAAAGTCACAAAGGGGCCAGCAGCCTGCAAAAAAGCAGTGCTCCCACTT[A>G]CTTGAACATCTCGCTCCTCTCTATGGTGGCGAGCCAAAAGCTGTAAGCGTTTGCGTAGTA-3'

ClinVar aggregate classification (germline): Uncertain significance (1 of 4 stars; one submission).

Submission:

Labcorp Genetics (formerly Invitae), Labcorp
Classification: Uncertain significance. Last evaluated: 2021-08-14. Review status: criteria provided, single submitter. Criteria: Invitae Variant Classification Sherloc (09022015). Collection method: clinical testing. Allele origin: germline.
Comment: This variant has not been reported in the literature in individuals affected with COL4A1-related conditions. This variant is not present in population databases (ExAC no frequency). This sequence change affects a donor splice site in intron 51 of the COL4A1 gene. While this variant is not anticipated to result in nonsense mediated decay, it likely alters RNA splicing and results in a disrupted protein product. Variants that disrupt the consensus splice site are a relatively common cause of aberrant splicing (PMID: 17576681, 9536098). Algorithms developed to predict the effect of sequence changes on RNA splicing suggest that this variant may disrupt the consensus splice site. In summary, the available evidence is currently insufficient to determine the role of this variant in disease. Therefore, it has been classified as a Variant of Uncertain Significance.

Literature cited by the submitters: PubMed 17576681; PubMed 9536098.